The following is an entry in ClinVar:

NM_015166.4(MLC1):c.489dup (p.Ala164fs)

Gene: MLC1 (modulator of VRAC current 1; minus strand). Cytogenetic location: 22q13.33.
Variant type: Duplication.
Coding change: c.489dup on transcript NM_015166.4 (MANE Select); coding-DNA position 489, one base duplicated (T; older notation c.489dupT).
Protein change: p.Ala164fs; shifts the reading frame from alanine 164.
Molecular consequence: frameshift variant. On other transcripts: non-coding transcript variant (3).
Genome position (GRCh38, 1-based): chr22:50,077,437, A duplicated on the plus strand (T on the coding strand, the reverse complement: MLC1 is on the minus strand). VCF-style (leftmost placement, unchanged base first): chr22-50077436-C-CA. GRCh37 (hg19) VCF-style: chr22-50515865-C-CA.
Other names: p.Ala164CysfsTer17; c.489dup, p.Ala164fs (NM_001376472.1, NM_001376473.1, NM_001376474.1 and 6 more transcripts); c.399dup, p.Ala134fs (NM_001376480.1); c.387dup, p.Ala130fs (NM_001376481.1); c.333dup, p.Ala112fs (NM_001376482.1, NM_001376483.1); c.252dup, p.Ala85fs (NM_001376484.1); short protein forms A112fs, A130fs, A134fs, A164fs, A85fs.
Identifiers: ClinVar variation 2502878 (VCV002502878.2), dbSNP rs2518317355, ClinGen allele CA2580615334.
Genomic context (GRCh38, chr22:50,077,436, plus strand): 5'-CTGCGGGGTCAGAAGCTGCACCCACCTTCTTTTTCTTGCAGTCCTCCTCGCTGGACCGTG[C>CA]AGCGATGATCACCGTGGCCGCCATGAGCAGCTCCAGCAGGAGCAGCAGGATGAGGTTGAA-3'

ClinVar aggregate classification (germline): Likely pathogenic (1 of 4 stars; one submission).

Conditions:
Megalencephalic leukoencephalopathy with subcortical cysts 1 (MLC1). Also called: VACUOLATING MEGALENCEPHALIC LEUKOENCEPHALOPATHY WITH SUBCORTICAL CYSTS; LEUKOENCEPHALOPATHY WITH SWELLING AND CYSTS. Identifiers: Orphanet 2478, MedGen C5779875, MONDO:0024555, OMIM 604004.

Submission:

Foundation for Research in Genetics and Endocrinology, FRIGE's Institute of Human Genetics
Classification: Likely pathogenic for Megalencephalic leukoencephalopathy with subcortical cysts 1. Last evaluated: 2023-05-25. Review status: criteria provided, single submitter. Criteria: ACMG Guidelines, 2015. Collection method: clinical testing. Allele origin: germline. Inheritance: Autosomal recessive inheritance. Affected: yes. Observed: 1 heterozygote.
Comment: A heterozygous single base pair insertion in exon 6 of the MLC1 gene that results in a frameshift and premature truncation of the protein 17 amino acids downstream to codon 164 (p.Ala164CysfsTer17) was detected. The variant has not been reported in the 1000 genomes, gnomAD (v3.1), gnomdAD (v2.1), and topmed database respectively. The in silico prediction of the variant is damaging by MutationTaster2. The reference codon is conserved across species. In summary, the variant meets our criteria to be classified as likely pathogenic.